The following is an entry in ClinVar:

ClinVar aggregate classification (germline): Uncertain significance. Review status: criteria provided, multiple submitters, no conflicts (2 of 4 stars). 2 submissions from 2 submitters: Uncertain significance (2). Last evaluated 2022-05-06.

Conditions:
Peroxisome biogenesis disorder 5A (Zellweger) (PBD5A). Identifiers: Orphanet 912, MedGen C3553940, MONDO:0013932, OMIM 614866.

Submissions (2):

Labcorp Genetics (formerly Invitae), Labcorp
Classification: Uncertain significance for Peroxisome biogenesis disorder 5A (Zellweger). Last evaluated: 2022-05-06. Review status: criteria provided, single submitter. Criteria: Invitae Variant Classification Sherloc (09022015). Collection method: clinical testing. Allele origin: germline.
Comment: This sequence change replaces glycine, which is neutral and non-polar, with glutamic acid, which is acidic and polar, at codon 47 of the PEX2 protein (p.Gly47Glu). This variant is not present in population databases (gnomAD no frequency). This variant has not been reported in the literature in individuals affected with PEX2-related conditions. Algorithms developed to predict the effect of missense changes on protein structure and function are either unavailable or do not agree on the potential impact of this missense change (SIFT: "Tolerated"; PolyPhen-2: "Probably Damaging"; Align-GVGD: "Class C0"). In summary, the available evidence is currently insufficient to determine the role of this variant in disease. Therefore, it has been classified as a Variant of Uncertain Significance.

Blueprint Genetics
Classification: Uncertain significance. Last evaluated: 2017-10-03. Review status: criteria provided, single submitter. Criteria: ACMG Guidelines, 2015. Collection method: clinical testing. Allele origin: germline.

NM_000318.3(PEX2):c.140G>A (p.Gly47Glu)

Gene: PEX2 (peroxisomal biogenesis factor 2; minus strand). Cytogenetic location: 8q21.13.
Variant type: single nucleotide variant.
Coding change: c.140G>A on transcript NM_000318.3 (MANE Select); coding-DNA position 140, G replaced by A.
Protein change: p.Gly47Glu; replaces glycine 47 with glutamic acid.
Molecular consequence: missense variant.
Genome position (GRCh38, 1-based): chr8:76,984,039, C>T on the plus strand (G>A on the coding strand, the complement: PEX2 is on the minus strand). VCF-style: chr8-76984039-C-T. GRCh37 (hg19) VCF-style: chr8-77896275-C-T.
Other names: c.140G>A, p.Gly47Glu (NM_001079867.2, NM_001172086.2, NM_001172087.2); short protein forms G47E.
Identifiers: ClinVar variation 2418495 (VCV002418495.4), dbSNP rs750212948, ClinGen allele CA371558004.